The following is an entry in ClinVar:

NM_000093.5(COL5A1):c.4969G>T (p.Asp1657Tyr)

Genes: COL5A1 (collagen type V alpha 1 chain; plus strand), LOC101448202 (uncharacterized LOC101448202; minus strand). Cytogenetic location: 9q34.3.
Variant type: single nucleotide variant.
Coding change: c.4969G>T on transcript NM_000093.5 (MANE Select); coding-DNA position 4969, G replaced by T.
Protein change: p.Asp1657Tyr; replaces aspartic acid 1657 with tyrosine.
Molecular consequence: missense variant.
Genome position (GRCh38, 1-based): chr9:134,825,806, G>T. VCF-style: chr9-134825806-G-T. GRCh37 (hg19) VCF-style: chr9-137717652-G-T.
Other names: c.4969G>T, p.Asp1657Tyr (NM_001278074.1); short protein forms D1657Y.
Identifiers: ClinVar variation 3662621 (VCV003662621.2).

ClinVar aggregate classification (germline): Uncertain significance (1 of 4 stars; one submission).

Conditions:
Ehlers-Danlos syndrome, classic type, 1 (EDSCL1). Also called: EHLERS-DANLOS SYNDROME, GRAVIS TYPE; EHLERS-DANLOS SYNDROME, SEVERE CLASSIC TYPE; Ehlers-Danlos syndrome, type 1; Ehlers-Danlos Syndrome, Classic Type, COL5A1-Related; EDS I. Identifiers: MedGen C0268335, MONDO:0019567, OMIM 130000.

Submission:

Labcorp Genetics (formerly Invitae), Labcorp
Classification: Uncertain significance for Ehlers-Danlos syndrome, classic type, 1. Last evaluated: 2024-08-15. Review status: criteria provided, single submitter. Criteria: Invitae Variant Classification Sherloc (09022015). Collection method: clinical testing. Allele origin: germline.
Comment: This sequence change replaces aspartic acid, which is acidic and polar, with tyrosine, which is neutral and polar, at codon 1657 of the COL5A1 protein (p.Asp1657Tyr). This variant is not present in population databases (gnomAD no frequency). This variant has not been reported in the literature in individuals affected with COL5A1-related conditions. Invitae Evidence Modeling of protein sequence and biophysical properties (such as structural, functional, and spatial information, amino acid conservation, physicochemical variation, residue mobility, and thermodynamic stability) indicates that this missense variant is expected to disrupt COL5A1 protein function with a positive predictive value of 80%. In summary, the available evidence is currently insufficient to determine the role of this variant in disease. Therefore, it has been classified as a Variant of Uncertain Significance.